The following is an entry in ClinVar:

ClinVar aggregate classification (germline): Conflicting classifications of pathogenicity. Review status: criteria provided, conflicting classifications (1 of 4 stars). 2 submissions from 2 submitters: Uncertain significance (1); Likely benign (1). Last evaluated 2024-10-26.

Conditions:
Hereditary cancer-predisposing syndrome. Also called: Tumor predisposition; Hereditary neoplastic syndrome; Hereditary Cancer Syndrome; Neoplastic Syndromes, Hereditary. Identifiers: Orphanet 140162, MedGen C0027672, MeSH D009386, MONDO:0015356.

Allele frequency attached by ClinVar (database versions not stated): gnomAD exomes below 0.00001; ExAC 0.00001; gnomAD 0.00001; ESP Exome Variant Server 0.00008.

Submissions (2):

Labcorp Genetics (formerly Invitae), Labcorp
Classification: Uncertain significance. Last evaluated: 2024-10-26. Review status: criteria provided, single submitter. Criteria: Invitae Variant Classification Sherloc (09022015). Collection method: clinical testing. Allele origin: germline.
Comment: This sequence change replaces methionine, which is neutral and non-polar, with isoleucine, which is neutral and non-polar, at codon 115 of the MSH3 protein (p.Met115Ile). This variant is present in population databases (rs369397158, gnomAD 0.007%). This variant has not been reported in the literature in individuals affected with MSH3-related conditions. ClinVar contains an entry for this variant (Variation ID: 1050871). An algorithm developed to predict the effect of missense changes on protein structure and function outputs the following: PolyPhen-2: "Benign". The isoleucine amino acid residue is found in multiple mammalian species, which suggests that this missense change does not adversely affect protein function. In summary, the available evidence is currently insufficient to determine the role of this variant in disease. Therefore, it has been classified as a Variant of Uncertain Significance.

Ambry Genetics
Classification: Likely benign for Hereditary cancer-predisposing syndrome. Last evaluated: 2024-03-04. Review status: criteria provided, single submitter. Criteria: Ambry Variant Classification Scheme 2023. Collection method: clinical testing. Allele origin: germline.

NM_002439.5(MSH3):c.345G>T (p.Met115Ile)

Gene: MSH3 (mutS homolog 3; plus strand). Cytogenetic location: 5q14.1.
Variant type: single nucleotide variant.
Coding change: c.345G>T on transcript NM_002439.5 (MANE Select); coding-DNA position 345, G replaced by T.
Protein change: p.Met115Ile; replaces methionine 115 with isoleucine.
Molecular consequence: missense variant.
Genome position (GRCh38, 1-based): chr5:80,656,518, G>T. VCF-style: chr5-80656518-G-T. GRCh37 (hg19) VCF-style: chr5-79952337-G-T.
Other names: short protein forms M115I.
Identifiers: ClinVar variation 1050871 (VCV001050871.11), dbSNP rs369397158, ClinGen allele CA3327567.
Genomic context (GRCh38, chr5:80,656,518, plus strand): 5'-GCCTGTTAAAAAGAAAGTAAAGAAAGTCCAACAAAAGGAAGGAGGAAGTGATCTGGGAAT[G>T]TCTGGCAACTCTGGTGAGTTGTGGGGGATTCTTTTTTCTCCTCAGTCATGGCTCTGGTAT-3'
Protein context (NP_002430.3, residues 105-125): QQKEGGSDLG[Met115Ile]SGNSEPKKCL